The following is an entry in ClinVar:

NM_004369.4(COL6A3):c.7825A>G (p.Arg2609Gly)

Gene: COL6A3 (collagen type VI alpha 3 chain; minus strand). Cytogenetic location: 2q37.3.
Variant type: single nucleotide variant.
Coding change: c.7825A>G on transcript NM_004369.4 (MANE Select); coding-DNA position 7825, A replaced by G.
Protein change: p.Arg2609Gly; replaces arginine 2609 with glycine.
Molecular consequence: missense variant.
Genome position (GRCh38, 1-based): chr2:237,341,091, T>C on the plus strand (A>G on the coding strand, the complement: COL6A3 is on the minus strand). VCF-style: chr2-237341091-T-C. GRCh37 (hg19) VCF-style: chr2-238249734-T-C.
Other names: c.6004A>G, p.Arg2002Gly (NM_057166.5); c.7207A>G, p.Arg2403Gly (NM_057167.4); short protein forms R2002G, R2403G, R2609G.
Identifiers: ClinVar variation 4085526 (VCV004085526.8).

ClinVar aggregate classification (germline): Uncertain significance (1 of 4 stars; one submission).

gnomAD v4.1: 1 of 1,614,110 alleles (0.000062%); highest among the groups gnomAD compares: Non-Finnish European, 0.000085%; no homozygotes.

Submission:

CeGaT Center for Human Genetics Tuebingen
Classification: Uncertain significance. Last evaluated: 2025-07-01. Review status: criteria provided, single submitter. Criteria: CeGaT Center For Human Genetics Tuebingen Variant Classification Criteria Version 2. Collection method: clinical testing. Allele origin: germline. Affected: yes. Observed: 1 variant allele.
Comment: COL6A3: PM2